The following is an entry in ClinVar:

NM_152383.5(DIS3L2):c.2215T>G (p.Cys739Gly)

Gene: DIS3L2 (DIS3 like 3'-5' exoribonuclease 2; plus strand). Cytogenetic location: 2q37.1.
Variant type: single nucleotide variant.
Coding change: c.2215T>G on transcript NM_152383.5 (MANE Select); coding-DNA position 2215, T replaced by G.
Protein change: p.Cys739Gly; replaces cysteine 739 with glycine.
Molecular consequence: missense variant. On other transcripts: non-coding transcript variant (2), intron variant (1).
Genome position (GRCh38, 1-based): chr2:232,334,425, T>G. VCF-style: chr2-232334425-T-G. GRCh37 (hg19) VCF-style: chr2-233199135-T-G.
Other names: c.1582-8920T>G (NM_001257281.2); short protein forms C739G.
Identifiers: ClinVar variation 1432399 (VCV001432399.8), dbSNP rs2106354285, ClinGen allele CA350977730.

ClinVar aggregate classification (germline): Uncertain significance (1 of 4 stars; one submission).

Conditions:
Perlman syndrome (PRLMNS). Identifiers: Orphanet 2849, MedGen C0796113, MONDO:0009965, OMIM 267000.

Submission:

Labcorp Genetics (formerly Invitae), Labcorp
Classification: Uncertain significance for Perlman syndrome. Last evaluated: 2021-07-24. Review status: criteria provided, single submitter. Criteria: Invitae Variant Classification Sherloc (09022015). Collection method: clinical testing. Allele origin: germline.
Comment: In summary, the available evidence is currently insufficient to determine the role of this variant in disease. Therefore, it has been classified as a Variant of Uncertain Significance. Algorithms developed to predict the effect of sequence changes on RNA splicing suggest that this variant may create or strengthen a splice site. Algorithms developed to predict the effect of missense changes on protein structure and function are either unavailable or do not agree on the potential impact of this missense change (SIFT: "Deleterious"; PolyPhen-2: "Probably Damaging"; Align-GVGD: "Class C0"). This variant has not been reported in the literature in individuals affected with DIS3L2-related conditions. This variant is not present in population databases (ExAC no frequency). This sequence change replaces cysteine with glycine at codon 739 of the DIS3L2 protein (p.Cys739Gly). The cysteine residue is highly conserved and there is a large physicochemical difference between cysteine and glycine.